The following is an entry in ClinVar:

ClinVar aggregate classification (germline): Conflicting classifications of pathogenicity. Review status: criteria provided, conflicting classifications (1 of 4 stars). 7 submissions from 7 submitters: Uncertain significance (1); Benign (3); Likely benign (3). Last evaluated 2026-07-13.

Conditions:
Coffin-Siris syndrome. Identifiers: Orphanet 1465, MedGen C0265338, MONDO:0015452.
Hereditary cancer-predisposing syndrome. Also called: Hereditary Cancer Syndrome; Tumor predisposition; Hereditary neoplastic syndrome; Neoplastic Syndromes, Hereditary. Identifiers: Orphanet 140162, MedGen C0027672, MeSH D009386, MONDO:0015356.
Intellectual disability, autosomal dominant 16 (CSS4). Also called: COFFIN-SIRIS SYNDROME 4. Identifiers: Orphanet 1465, MedGen C3553249, MONDO:0013821, OMIM 614609.
Rhabdoid tumor predisposition syndrome 2 (RTPS2). Identifiers: Orphanet 231108, Orphanet 69077, MedGen C2750074, MONDO:0013224, OMIM 613325.

Allele frequency attached by ClinVar (database versions not stated): ESP Exome Variant Server 0.00015; gnomAD 0.00020 and 0.00017; TOPMed 0.00018; gnomAD exomes 0.00019 and 0.00023; ExAC 0.00021.
gnomAD v4.1: 362 of 1,614,000 alleles (0.022%); highest among the groups gnomAD compares: Non-Finnish European, 0.03%; no homozygotes.

Submissions (7):

Myriad Genetics, Inc.
Classification: Benign for Rhabdoid tumor predisposition syndrome 2. Last evaluated: 2026-07-13. Review status: criteria provided, single submitter. Criteria: Myriad Autosomal Dominant, Autosomal Recessive and X-Linked Classification Criteria (2023). Collection method: clinical testing. Allele origin: unknown.
Comment: This variant is considered benign. This variant is intronic and is not expected to impact mRNA splicing. This variant has been observed at a population frequency that is significantly greater than expected given the associated disease prevalence and penetrance.

Labcorp Genetics (formerly Invitae), Labcorp
Classification: Likely benign for Rhabdoid tumor predisposition syndrome 2. Last evaluated: 2026-02-03. Review status: criteria provided, single submitter. Criteria: Invitae Variant Classification Sherloc (09022015). Collection method: clinical testing. Allele origin: germline.

Quest Diagnostics Nichols Institute San Juan Capistrano
Classification: Benign. Last evaluated: 2023-06-06. Review status: criteria provided, single submitter. Criteria: Quest Diagnostics criteria. Collection method: clinical testing. Allele origin: unknown.

Institute for Clinical Genetics, University Hospital TU Dresden, University Hospital TU Dresden
Classification: Uncertain significance. Last evaluated: 2021-11-03. Review status: criteria provided, single submitter. Criteria: ACMG Guidelines, 2015. Collection method: clinical testing. Allele origin: germline.

Genome-Nilou Lab
Classification: Likely benign for Intellectual disability, autosomal dominant 16. Last evaluated: 2021-07-15. Review status: criteria provided, single submitter. Criteria: ACMG Guidelines, 2015. Collection method: clinical testing. Allele origin: germline. Affected: no.

Sema4
Classification: Likely benign for Hereditary cancer-predisposing syndrome. Last evaluated: 2020-05-22. Review status: criteria provided, single submitter. Criteria: Sema4 Curation Guidelines. Collection method: curation. Allele origin: germline.

Illumina Laboratory Services, Illumina
Classification: Benign for Coffin-Siris syndrome. Last evaluated: 2018-01-13. Review status: criteria provided, single submitter. Criteria: ICSL Variant Classification Criteria 13 December 2019. Collection method: clinical testing. Allele origin: germline.
Comment: This variant was observed in the ICSL laboratory as part of a predisposition screen in an ostensibly healthy population. It had not been previously curated by ICSL or reported in the Human Gene Mutation Database (HGMD: prior to June 1st, 2018), and was therefore a candidate for classification through an automated scoring system. Utilizing variant allele frequency, disease prevalence and penetrance estimates, and inheritance mode, an automated score was calculated to assess if this variant is too frequent to cause the disease. Based on the score and internal cut-off values, a variant classified as benign is not then subjected to further curation. The score for this variant resulted in a classification of benign for this disease.

NM_003072.5(SMARCA4):c.2275-10G>A

Gene: SMARCA4 (SWI/SNF related BAF chromatin remodeling complex subunit ATPase 4; plus strand). Cytogenetic location: 19p13.2.
Variant type: single nucleotide variant.
Coding change: c.2275-10G>A on transcript NM_003072.5 (MANE Select); 10 bases into the intron before coding-DNA position 2275, G replaced by A.
Molecular consequence: intron variant.
Genome position (GRCh38, 1-based): chr19:11,012,939, G>A. VCF-style: chr19-11012939-G-A. GRCh37 (hg19) VCF-style: chr19-11123615-G-A.
Other names: c.2275-10G>A (NM_001128844.3, NM_001128849.3, NM_001128847.4 and 5 more transcripts).
Identifiers: ClinVar variation 238397 (VCV000238397.25), dbSNP rs375787249, ClinGen allele CA9204069.